The following is an entry in ClinVar:

NC_000006.11:g.(?_72596727)_(73332335_?)dup

Genes: KCNQ5 (potassium voltage-gated channel subfamily Q member 5; plus strand), RIMS1 (regulating synaptic membrane exocytosis 1; plus strand). Cytogenetic location: 6q13.
Variant type: Duplication.
Identifiers: ClinVar variation 3246222 (VCV003246222.1).

ClinVar aggregate classification (germline): Uncertain significance (1 of 4 stars; one submission).

Submission:

Labcorp Genetics (formerly Invitae), Labcorp
Classification: Uncertain significance. Last evaluated: 2023-03-02. Review status: criteria provided, single submitter. Criteria: Invitae Variant Classification Sherloc (09022015). Collection method: clinical testing. Allele origin: unknown.
Comment: A copy number gain of the genomic region encompassing the full coding sequence of the RIMS1 gene has been identified. The boundaries of this event are unknown as they extend beyond the assayed region for this gene and therefore may encompass additional genes. As the precise location of this event is unknown, it may be in tandem or it may be located elsewhere in the genome. This variant has not been reported in the literature in individuals affected with RIMS1-related conditions. In summary, the available evidence is currently insufficient to determine the role of this variant in disease. Therefore, it has been classified as a Variant of Uncertain Significance.